The following is an entry in ClinVar:

NM_000432.4(MYL2):c.170G>A (p.Gly57Glu)

Gene: MYL2 (myosin light chain 2; minus strand). Cytogenetic location: 12q24.11.
Variant type: single nucleotide variant.
Coding change: c.170G>A on transcript NM_000432.4 (MANE Select); coding-DNA position 170, G replaced by A.
Protein change: p.Gly57Glu; replaces glycine 57 with glutamic acid.
Molecular consequence: missense variant.
Genome position (GRCh38, 1-based): chr12:110,914,290, C>T on the plus strand (G>A on the coding strand, the complement: MYL2 is on the minus strand). VCF-style: chr12-110914290-C-T. GRCh37 (hg19) VCF-style: chr12-111352094-C-T.
Other names: p.G57E:GGG>GAG; short protein forms G57E.
Identifiers: ClinVar variation 43458 (VCV000043458.35), dbSNP rs199474809, ClinGen allele CA009910.
Genomic context (GRCh38, chr12:110,914,290, plus strand): 5'-ATTGGACCCGGAGCCTCCTTGATCATTTCATCAATTTCTTCATTTTTCACGTTCACTCGC[C>T]CTAGGGTAGGAAACACACACTCAGGGACTCCGAGCTGGGGAGAAAGAACCATTATGACAC-3'
Protein context (NP_000423.2, residues 47-67): NDLRDTFAAL[Gly57Glu]RVNVKNEEID

ClinVar aggregate classification (germline): Uncertain significance. Review status: reviewed by expert panel (3 of 4 stars). 12 submissions from 12 submitters: Uncertain significance (1). 11 of the submissions do not count toward it. Last evaluated 2025-11-14.

Conditions:
MYL2-related disorder. Also called: MYL2-related disorders; MYL2-related condition; MYL2-related disease.
Cardiovascular phenotype. Identifiers: MedGen CN230736.
Cardiomyopathy (CMYO). Also called: Cardiomyopathies. Identifiers: Orphanet 167848, MedGen C0878544, MONDO:0004994, HP:0001638. Inheritance: Various modes of inheritance.
Hypertrophic cardiomyopathy 10. Also called: CARDIOMYOPATHY, HYPERTROPHIC, MID-LEFT VENTRICULAR CHAMBER TYPE, 2; MYL2-Related Familial Hypertrophic Cardiomyopathy. Identifiers: MedGen C1834460, MONDO:0012112, OMIM 608758.
Hypertrophic cardiomyopathy. Also called: HYPERTROPHIC MYOCARDIOPATHY. Identifiers: Orphanet 217569, MedGen C0007194, MeSH D002312, MONDO:0005045, HP:0001639.

Allele frequency attached by ClinVar (database versions not stated): gnomAD exomes below 0.00001; gnomAD 0.00001.

Submissions 1 to 7 of 12:

ClinGen Cardiomyopathy Variant Curation Expert Panel
Classification: Uncertain significance for Hypertrophic cardiomyopathy. Last evaluated: 2025-11-14. Review status: reviewed by expert panel. Criteria: ClinGen CMP ACMG Specifications MYL2 V1.0.0. Collection method: curation. Allele origin: germline. Inheritance: Autosomal dominant inheritance.
Comment: NM_000432.4(MYL2):c.170G>A (p.Gly57Glu). This variant has been reported in individuals with HCM and other cardiomyopathies (Laboratory for Molecular Medicine (LMM) data, Caleshu 2011 PMID: 21823217, Alfares 2015 PMID: 25611685, Walsh 2017 PMID: 27532257) and has also been identified in 1 out of 34586 (0.01% FAF 95% CI) of Latino chromosomes in gnomAD (v.2.1). This variant is not statistically increased in individuals with HCM compared to controls; [OR lower 95% CI <5]. Therefore, the PS4 criteria has not been applied, and the PM2_Supporting criterion has not been applied either. Additionally, computational prediction tools and conservation analysis suggest that this variant may impact the protein (PP3; REVEL score ≥0.70). In summary, due to insufficient evidence, this variant is classified as uncertain significance for hypertrophic cardiomyopathy in an autosomal dominant manner based on PP3.

Labcorp Genetics (formerly Invitae), Labcorp
Classification: Uncertain significance for Hypertrophic cardiomyopathy 10. Last evaluated: 2025-12-28. Review status: criteria provided, single submitter. Criteria: Invitae Variant Classification Sherloc (09022015). Collection method: clinical testing. Allele origin: germline. Not counted in ClinVar's aggregate classification.
Comment: This sequence change replaces glycine, which is neutral and non-polar, with glutamic acid, which is acidic and polar, at codon 57 of the MYL2 protein (p.Gly57Glu). This variant is present in population databases (rs199474809, gnomAD 0.003%). This missense change has been observed in individual(s) with restrictive cardiomyopathy and hypertrophic cardiomyopathy (PMID: 21823217, 25611685, 27532257, 37652022). ClinVar contains an entry for this variant (Variation ID: 43458). An algorithm developed to predict the effect of missense changes on protein structure and function (PolyPhen-2) suggests that this variant is likely to be disruptive. Algorithms developed to predict the effect of sequence changes on RNA splicing suggest that this variant may disrupt the consensus splice site. In summary, the available evidence is currently insufficient to determine the role of this variant in disease. Therefore, it has been classified as a Variant of Uncertain Significance.

Women's Health and Genetics/Laboratory Corporation of America, LabCorp
Classification: Uncertain significance. Last evaluated: 2025-10-20. Review status: criteria provided, single submitter. Criteria: LabCorp Variant Classification Summary - May 2015. Collection method: clinical testing. Allele origin: germline. Not counted in ClinVar's aggregate classification.
Comment: Variant summary: MYL2 c.170G>A (p.Gly57Glu) results in a non-conservative amino acid change in the encoded protein sequence. Algorithms developed to predict the effect of missense changes on protein structure and function all suggest that this variant is likely to be disruptive. The variant allele was found at a frequency of 4e-06 in 251442 control chromosomes. The available data on variant occurrences in the general population are insufficient to allow any conclusion about variant significance. c.170G>A has been observed in individual(s) affected with Hypertrophic Cardiomyopathy or Restrictive Cardiomyopathy (Alfares_2015, Caleshu_2011, McGurk_2023, Walsh_2017), as well as a healthy control (Shabani_2022). These report(s) do not provide unequivocal conclusions about association of the variant with Hypertrophic Cardiomyopathy. To our knowledge, no experimental evidence demonstrating an impact on protein function has been reported. The following publications have been ascertained in the context of this evaluation (PMID: 25611685, 21823217, 37652022, 27532257, 35265679). ClinVar contains an entry for this variant (Variation ID: 43458). Based on the evidence outlined above, the variant was classified as uncertain significance.

Ambry Genetics
Classification: Uncertain significance for Cardiovascular phenotype. Last evaluated: 2025-10-01. Review status: criteria provided, single submitter. Criteria: Ambry Variant Classification Scheme 2023. Collection method: clinical testing. Allele origin: germline. Not counted in ClinVar's aggregate classification.
Comment: The p.G57E variant (also known as c.170G>A), located in coding exon 4 of the MYL2 gene, results from a G to A substitution at nucleotide position 170. This variant impacts the first base pair of coding exon 4. The glycine at codon 57 is replaced by glutamic acid, an amino acid with some similar properties. This alteration has been reported in a subject with restrictive cardiomyopathy who was also homozygous for a missense alteration in MYL3. The unaffected mother was heterozygous for both variants (Caleshu C et al. Am. J. Med. Genet. A, 2011 Sep;155A:2229-35). This variant has also been detected in a hypertrophic cardiomyopathy genetic testing cohort (Alfares AA et al. Genet. Med., 2015 Nov;17:880-8; Walsh R et al. Genet. Med., 2017 02;19:192-203). This amino acid position is highly conserved in available vertebrate species. In addition, this alteration is predicted to be deleterious by in silico analysis. Based on the available evidence, the clinical significance of this variant remains unclear.

PreventionGenetics, part of Exact Sciences
Classification: Uncertain significance for MYL2-related condition. Last evaluated: 2025-09-02. Review status: criteria provided, single submitter. Criteria: ACMG Guidelines, 2015. Collection method: clinical testing. Allele origin: germline. Not counted in ClinVar's aggregate classification.
Comment: The MYL2 c.170G>A variant is predicted to result in the amino acid substitution p.Gly57Glu. This variant has been reported in an individual with restrictive cardiomyopathy, who also carried a homozygous p.Glu134Lys in the MYL3 gene (Caleshu et al. 2011. PubMed ID: 21823217). This variant has also been reported in cohort studies of individuals with cardiomyopathy (Supplemental Table 5, Alfares et al. 2015. PubMed ID: 25611685; Table S1B, Walsh et al. 2016. PubMed ID: 27532257; Table S8, McGurk et al. 2023. PubMed ID: 37652022). This variant is reported in 0.0029% of alleles in individuals of Latino descent in gnomAD. This variant is interpreted as a variant of uncertain significance in ClinVar (ClinVar ID: 43458). At this time, the clinical significance of this variant is uncertain due to the absence of conclusive functional and genetic evidence.

GeneDx
Classification: Uncertain significance. Last evaluated: 2025-08-20. Review status: criteria provided, single submitter. Criteria: GeneDx Variant Classification Process June 2021. Collection method: clinical testing. Allele origin: germline. Affected: yes. Not counted in ClinVar's aggregate classification.
Comment: Not observed at significant frequency in large population cohorts (gnomAD); In silico analysis supports that this missense variant has a deleterious effect on protein structure/function; In silico analysis supports a deleterious effect on splicing; This variant is associated with the following publications: (PMID: 21823217, 25611685, 37652022, 27532257, 35265679)

Color Diagnostics, LLC DBA Color Health
Classification: Uncertain significance for Cardiomyopathy. Last evaluated: 2024-10-03. Review status: criteria provided, single submitter. Criteria: ACMG Guidelines, 2015. Collection method: clinical testing. Allele origin: germline. Not counted in ClinVar's aggregate classification.
Comment: This missense variant replaces glycine with glutamic acid at codon 57 of the MYL2 protein. Computational prediction suggests that this variant may have deleterious impact on protein structure and function. To our knowledge, functional studies have not been reported for this variant. This variant has been reported in an individual affected with restrictive cardiomyopathy (PMID: 21823217); this individual was heterozygous for this variant and homozygous for a likely pathogenic variant in the MYL3 gene. The individual's unaffected parent was a carrier of both variants. This variant has also been reported in two individuals affected with hypertrophic cardiomyopathy (PMID: 25611685, 27532257). This variant has been identified in 1/251442 chromosomes in the general population by the Genome Aggregation Database (gnomAD). The available evidence is insufficient to determine the role of this variant in disease conclusively. Therefore, this variant is classified as a Variant of Uncertain Significance.